The following is an entry in ClinVar:

ClinVar aggregate classification (germline): Uncertain significance. Review status: criteria provided, multiple submitters, no conflicts (2 of 4 stars). 3 submissions from 3 submitters: Uncertain significance (3). Last evaluated 2026-03-02.

Conditions:
PRKCD-related disorder. Also called: PRKCD-related condition.
Autoimmune lymphoproliferative syndrome, type III caused by mutation in PRKCD. Identifiers: Orphanet 3261, Orphanet 664711, MedGen C3809928, MONDO:8000024, OMIM 615559.

Allele frequency attached by ClinVar (database versions not stated): gnomAD 0.00001; TOPMed 0.00001; gnomAD exomes 0.00003; ExAC 0.00006.
gnomAD v4.1: 32 of 1,614,194 alleles (0.002%); highest among the groups gnomAD compares: African/African-American, 0.0027%; no homozygotes.

Submissions (3):

PreventionGenetics, part of Exact Sciences
Classification: Uncertain significance for PRKCD-related condition. Last evaluated: 2026-03-02. Review status: criteria provided, single submitter. Criteria: ACMG Guidelines, 2015. Collection method: clinical testing. Allele origin: germline.
Comment: The PRKCD c.635C>T variant is predicted to result in the amino acid substitution p.Ala212Val. To our knowledge, this variant has not been reported in the literature. This variant is reported in 0.0047% of alleles in individuals of European (Non-Finnish) descent in gnomAD. At this time, the clinical significance of this variant is uncertain due to the absence of conclusive functional and genetic evidence.

Blueprint Genetics
Classification: Uncertain significance. Last evaluated: 2024-02-14. Review status: criteria provided, single submitter. Criteria: ACMG Guidelines, 2015. Collection method: clinical testing. Allele origin: germline.

Labcorp Genetics (formerly Invitae), Labcorp
Classification: Uncertain significance for Autoimmune lymphoproliferative syndrome, type III caused by mutation in PRKCD. Last evaluated: 2023-05-08. Review status: criteria provided, single submitter. Criteria: Invitae Variant Classification Sherloc (09022015). Collection method: clinical testing. Allele origin: germline.
Comment: ClinVar contains an entry for this variant (Variation ID: 1020633). In summary, the available evidence is currently insufficient to determine the role of this variant in disease. Therefore, it has been classified as a Variant of Uncertain Significance. An algorithm developed to predict the effect of missense changes on protein structure and function (PolyPhen-2) suggests that this variant is likely to be disruptive. This variant has not been reported in the literature in individuals affected with PRKCD-related conditions. This variant is present in population databases (rs782237403, gnomAD 0.005%). This sequence change replaces alanine, which is neutral and non-polar, with valine, which is neutral and non-polar, at codon 212 of the PRKCD protein (p.Ala212Val).

NM_006254.4(PRKCD):c.635C>T (p.Ala212Val)

Gene: PRKCD (protein kinase C delta; plus strand). Cytogenetic location: 3p21.1.
Variant type: single nucleotide variant.
Coding change: c.635C>T on transcript NM_006254.4 (MANE Select); coding-DNA position 635, C replaced by T.
Protein change: p.Ala212Val; replaces alanine 212 with valine.
Molecular consequence: missense variant.
Genome position (GRCh38, 1-based): chr3:53,183,184, C>T. VCF-style: chr3-53183184-C-T. GRCh37 (hg19) VCF-style: chr3-53217200-C-T.
Other names: c.635C>T, p.Ala212Val (NM_001316327.2, NM_001354679.2, NM_001354680.2 and 1 more transcripts); c.692C>T, p.Ala231Val (NM_001354676.2); c.683C>T, p.Ala228Val (NM_001354678.2); c.635C>T (NM_006254.3); short protein forms A212V, A228V, A231V.
Identifiers: ClinVar variation 1020633 (VCV001020633.5), dbSNP rs782237403, ClinGen allele CA2451901.